The following is an entry in ClinVar:

NM_006949.4(STXBP2):c.429+5G>A

Gene: STXBP2 (syntaxin binding protein 2; plus strand). Cytogenetic location: 19p13.2.
Variant type: single nucleotide variant.
Coding change: c.429+5G>A on transcript NM_006949.4 (MANE Select); 5 bases into the intron after coding-DNA position 429, G replaced by A.
Molecular consequence: intron variant.
Genome position (GRCh38, 1-based): chr19:7,641,008, G>A. VCF-style: chr19-7641008-G-A. GRCh37 (hg19) VCF-style: chr19-7705894-G-A.
Other names: c.462+5G>A (NM_001272034.2); c.420+5G>A (NM_001127396.3).
Identifiers: ClinVar variation 1415282 (VCV001415282.5), dbSNP rs778509701, ClinGen allele CA9143625.

ClinVar aggregate classification (germline): Uncertain significance (1 of 4 stars; one submission).

Conditions:
Familial hemophagocytic lymphohistiocytosis 5. Also called: STXBP2-Related Familial Hemophagocytic Lymphohistiocytosis (STXBP2-fHLH). Identifiers: Orphanet 540, MedGen C2751293, MONDO:0013135, OMIM 613101.

gnomAD v4.1: 26 of 1,613,938 alleles (0.0016%); highest among the groups gnomAD compares: East Asian, 0.029%; no homozygotes.

Submission:

Labcorp Genetics (formerly Invitae), Labcorp
Classification: Uncertain significance for Familial hemophagocytic lymphohistiocytosis 5. Last evaluated: 2023-12-11. Review status: criteria provided, single submitter. Criteria: Invitae Variant Classification Sherloc (09022015). Collection method: clinical testing. Allele origin: germline.
Comment: This sequence change falls in intron 6 of the STXBP2 gene. It does not directly change the encoded amino acid sequence of the STXBP2 protein. It affects a nucleotide within the consensus splice site. This variant is present in population databases (rs778509701, gnomAD 0.05%). This variant has not been reported in the literature in individuals affected with STXBP2-related conditions. ClinVar contains an entry for this variant (Variation ID: 1415282). Variants that disrupt the consensus splice site are a relatively common cause of aberrant splicing (PMID: 17576681, 9536098). Algorithms developed to predict the effect of sequence changes on RNA splicing suggest that this variant is not likely to affect RNA splicing. In summary, the available evidence is currently insufficient to determine the role of this variant in disease. Therefore, it has been classified as a Variant of Uncertain Significance.

Literature cited by the submitters: PubMed 17576681; PubMed 9536098.